The following is an entry in ClinVar:

ClinVar aggregate classification (germline): Conflicting classifications of pathogenicity. Review status: criteria provided, conflicting classifications (1 of 4 stars). 3 submissions from 3 submitters: Uncertain significance (2); Likely benign (1). Last evaluated 2025-03-25.

Conditions:
Cardiovascular phenotype. Identifiers: MedGen CN230736.
Autosomal recessive limb-girdle muscular dystrophy type 2J (LGMDR10). Also called: Limb-girdle muscular dystrophy, type 2J; MUSCULAR DYSTROPHY, LIMB-GIRDLE, AUTOSOMAL RECESSIVE 10. Identifiers: Orphanet 140922, MedGen C1837342, MONDO:0012127, OMIM 608807.
Dilated cardiomyopathy 1G (CMD1G). Identifiers: Orphanet 154, MedGen C1858763, MONDO:0011400, OMIM 604145.
TTN-related disorder. Also called: TTN-related condition; TTN-related disease; TTN-related disorders.

Allele frequency attached by ClinVar (database versions not stated): gnomAD exomes below 0.00001 and 0.00002; ExAC 0.00003; gnomAD 0.00005; TOPMed 0.00006; ESP Exome Variant Server 0.00017.
gnomAD v4.1: 12 of 1,550,124 alleles (0.00077%); highest among the groups gnomAD compares: African/African-American, 0.017%; no homozygotes.

Submissions (3):

PreventionGenetics, part of Exact Sciences
Classification: Uncertain significance for TTN-related condition. Last evaluated: 2025-03-25. Review status: criteria provided, single submitter. Criteria: ACMG Guidelines, 2015. Collection method: clinical testing. Allele origin: germline.
Comment: The TTN c.106585A>C variant is predicted to result in the amino acid substitution p.Thr35529Pro. To our knowledge, this variant has not been reported in the literature in individuals with TTN-related disorders. This variant is reported in 0.022% of alleles in individuals of African descent in gnomAD. At this time, the clinical significance of this variant is uncertain due to the absence of conclusive functional and genetic evidence.

Labcorp Genetics (formerly Invitae), Labcorp
Classification: Uncertain significance for Dilated cardiomyopathy 1G; Autosomal recessive limb-girdle muscular dystrophy type 2J. Last evaluated: 2024-09-23. Review status: criteria provided, single submitter. Criteria: Invitae Variant Classification Sherloc (09022015). Collection method: clinical testing. Allele origin: germline.
Comment: This sequence change replaces threonine, which is neutral and polar, with proline, which is neutral and non-polar, at codon 35529 of the TTN protein (p.Thr35529Pro). This variant is present in population databases (rs372116188, gnomAD 0.02%). This missense change has been observed in individual(s) with clinical features of TTN-related conditions (PMID: 21520333). ClinVar contains an entry for this variant (Variation ID: 857231). Experimental studies and prediction algorithms are not available or were not evaluated, and the functional significance of this variant is currently unknown. This variant is located in the M band of TTN (PMID: 25589632). Non-truncating variants in this region may be relevant for neuromuscular disorders, but have not been definitively shown to cause cardiomyopathy (PMID: 23975875). In summary, the available evidence is currently insufficient to determine the role of this variant in disease. Therefore, it has been classified as a Variant of Uncertain Significance.

Ambry Genetics
Classification: Likely benign for Cardiovascular phenotype. Last evaluated: 2020-06-23. Review status: criteria provided, single submitter. Criteria: Ambry Variant Classification Scheme 2023. Collection method: clinical testing. Allele origin: germline.

Literature cited by the submitters: PubMed 21520333 (cited by Labcorp Genetics (formerly Invitae), Labcorp); PubMed 25589632 (cited by Labcorp Genetics (formerly Invitae), Labcorp); PubMed 23975875 (cited by Labcorp Genetics (formerly Invitae), Labcorp).

NM_001267550.2(TTN):c.106585A>C (p.Thr35529Pro)

Genes: TTN (titin; minus strand), TTN-AS1 (TTN antisense RNA 1; plus strand). Cytogenetic location: 2q31.2.
Variant type: single nucleotide variant.
Coding change: c.106585A>C on transcript NM_001267550.2 (MANE Select); coding-DNA position 106585, A replaced by C.
Protein change: p.Thr35529Pro; replaces threonine 35529 with proline.
Molecular consequence: missense variant.
Genome position (GRCh38, 1-based): chr2:178,529,166, T>G on the plus strand (A>C on the coding strand, the complement: TTN is on the minus strand). VCF-style: chr2-178529166-T-G. GRCh37 (hg19) VCF-style: chr2-179393893-T-G.
Other names: c.101662A>C, p.Thr33888Pro (NM_001256850.1); c.79390A>C, p.Thr26464Pro (NM_003319.4); c.98881A>C, p.Thr32961Pro (NM_133378.4); c.79765A>C, p.Thr26589Pro (NM_133432.3); c.79966A>C, p.Thr26656Pro (NM_133437.4); short protein forms T26464P, T26589P, T32961P, T33888P, T35529P, T26656P.
Identifiers: ClinVar variation 857231 (VCV000857231.13), dbSNP rs372116188, ClinGen allele CA1985067.